The following is an entry in ClinVar:

NM_015046.7(SETX):c.7388T>G (p.Leu2463Arg)

Gene: SETX (senataxin; minus strand). Cytogenetic location: 9q34.13.
Variant type: single nucleotide variant.
Coding change: c.7388T>G on transcript NM_015046.7 (MANE Select); coding-DNA position 7388, T replaced by G.
Protein change: p.Leu2463Arg; replaces leucine 2463 with arginine.
Molecular consequence: missense variant.
Genome position (GRCh38, 1-based): chr9:132,264,885, A>C on the plus strand (T>G on the coding strand, the complement: SETX is on the minus strand). VCF-style: chr9-132264885-A-C. GRCh37 (hg19) VCF-style: chr9-135140272-A-C.
Other names: c.7388T>G, p.Leu2463Arg (NM_001351527.2); c.7475T>G, p.Leu2492Arg (NM_001351528.2); short protein forms L2463R, L2492R.
Identifiers: ClinVar variation 4791800 (VCV004791800.1).

ClinVar aggregate classification (germline): Uncertain significance (1 of 4 stars; one submission).

Conditions:
Spinocerebellar ataxia, autosomal recessive, with axonal neuropathy 2 (SCAN2). Also called: ATAXIA-OCULOMOTOR APRAXIA 2; Ataxia-ocular apraxia-2; Ataxia with Oculomotor Apraxia; Ataxia with Oculomotor Apraxia Type 2. Identifiers: Orphanet 64753, MedGen C1853761, MONDO:0018996, OMIM 606002.
Amyotrophic lateral sclerosis type 4 (ALS4). Also called: AMYOTROPHIC LATERAL SCLEROSIS 4, JUVENILE; NEURONOPATHY, DISTAL HEREDITARY MOTOR, WITH PYRAMIDAL FEATURES. Identifiers: Orphanet 357043, MedGen C1865409, MONDO:0011223, OMIM 602433.

gnomAD v4.1: 1 of 1,614,062 alleles (0.000062%); highest among the groups gnomAD compares: Non-Finnish European, 0.000085%; no homozygotes.

Submission:

Labcorp Genetics (formerly Invitae), Labcorp
Classification: Uncertain significance for Amyotrophic lateral sclerosis type 4; Spinocerebellar ataxia, autosomal recessive, with axonal neuropathy 2. Last evaluated: 2025-08-23. Review status: criteria provided, single submitter. Criteria: Invitae Variant Classification Sherloc (09022015). Collection method: clinical testing. Allele origin: germline.
Comment: This sequence change replaces leucine, which is neutral and non-polar, with arginine, which is basic and polar, at codon 2463 of the SETX protein (p.Leu2463Arg). This variant is not present in population databases (gnomAD no frequency). This variant has not been reported in the literature in individuals affected with SETX-related conditions. Invitae Evidence Modeling of protein sequence and biophysical properties (such as structural, functional, and spatial information, amino acid conservation, physicochemical variation, residue mobility, and thermodynamic stability) indicates that this missense variant is not expected to disrupt SETX protein function with a negative predictive value of 95%. In summary, the available evidence is currently insufficient to determine the role of this variant in disease. Therefore, it has been classified as a Variant of Uncertain Significance.